The following is an entry in ClinVar:

NM_000760.4(CSF3R):c.1319G>A (p.Arg440Gln)

Gene: CSF3R (colony stimulating factor 3 receptor; minus strand). Cytogenetic location: 1p34.3.
Variant type: single nucleotide variant.
Coding change: c.1319G>A on transcript NM_000760.4 (MANE Select); coding-DNA position 1319, G replaced by A.
Protein change: p.Arg440Gln; replaces arginine 440 with glutamine.
Molecular consequence: missense variant.
Genome position (GRCh38, 1-based): chr1:36,469,807, C>T on the plus strand (G>A on the coding strand, the complement: CSF3R is on the minus strand). VCF-style: chr1-36469807-C-T. GRCh37 (hg19) VCF-style: chr1-36935408-C-T.
Other names: c.1319G>A, p.Arg440Gln (LRG_144t1, NM_156039.3, NM_172313.3); short protein forms R440Q.
Identifiers: ClinVar variation 210791 (VCV000210791.31), dbSNP rs3918020, ClinGen allele CA209230.

ClinVar aggregate classification (germline): Benign/Likely benign. Review status: criteria provided, multiple submitters, no conflicts (2 of 4 stars). 9 submissions from 9 submitters: Benign (3); Likely benign (3). 3 of the submissions do not count toward it. Last evaluated 2026-02-01.

Conditions:
Autosomal recessive severe congenital neutropenia due to CSF3R deficiency. Also called: Neutropenia, severe congenital, 7, autosomal recessive. Identifiers: Orphanet 420702, MedGen C4310764, MONDO:0014865, OMIM 617014.

Allele frequency attached by ClinVar (database versions not stated): 1000 Genomes Project 0.00240; 1000 Genomes Project 30x 0.00281; ExAC 0.00302; ESP Exome Variant Server 0.00346; gnomAD 0.00363; TOPMed 0.00433.
gnomAD v4.1: 7,589 of 1,614,090 alleles (0.47%); highest among the groups gnomAD compares: Admixed American, 0.6%; 29 homozygotes.

Submissions (9):

Labcorp Genetics (formerly Invitae), Labcorp
Classification: Benign for Autosomal recessive severe congenital neutropenia due to CSF3R deficiency. Last evaluated: 2026-02-01. Review status: criteria provided, single submitter. Criteria: Invitae Variant Classification Sherloc (09022015). Collection method: clinical testing. Allele origin: germline.

Women's Health and Genetics/Laboratory Corporation of America, LabCorp
Classification: Likely benign. Last evaluated: 2026-01-29. Review status: criteria provided, single submitter. Criteria: LabCorp Variant Classification Summary - May 2015. Collection method: clinical testing. Allele origin: germline.
Comment: Variant summary: CSF3R c.1319G>A (p.Arg440Gln) results in a conservative amino acid change in the encoded protein sequence. Algorithms developed to predict the effect of missense changes on protein structure and function all suggest that this variant is likely to be tolerated. The variant allele was found at a frequency of 0.0033 in 250068 control chromosomes, predominantly at a frequency of 0.005 within the Non-Finnish European subpopulation in the gnomAD database, including 2 homozygotes. The observed variant frequency within Non-Finnish European control individuals in the gnomAD database exceeds the estimated maximal expected allele frequency for disease-causing variants in CSF3R. To our knowledge, no occurrence of c.1319G>A in individuals affected with CSF3R-related conditions and no experimental evidence demonstrating its impact on protein function have been reported. ClinVar contains an entry for this variant (Variation ID: 210791). Based on the evidence outlined above, the variant was classified as likely benign.

CeGaT Center for Human Genetics Tuebingen
Classification: Likely benign. Last evaluated: 2025-07-01. Review status: criteria provided, single submitter. Criteria: CeGaT Center For Human Genetics Tuebingen Variant Classification Criteria Version 2. Collection method: clinical testing. Allele origin: germline. Affected: yes. Observed: 1 variant allele.
Comment: CSF3R: BP4, BS2

Blueprint Genetics
Classification: Likely benign. Last evaluated: 2024-11-21. Review status: criteria provided, single submitter. Criteria: ACMG Guidelines, 2015. Collection method: clinical testing. Allele origin: germline.

Genetic Services Laboratory, University of Chicago
Classification: Benign. Last evaluated: 2021-06-20. Review status: criteria provided, single submitter. Criteria: ACMG Guidelines, 2015. Collection method: clinical testing. Allele origin: germline. Affected: no.

Mayo Clinic Laboratories, Mayo Clinic
Classification: Benign. Last evaluated: 2019-12-11. Review status: criteria provided, single submitter. Criteria: ACMG Guidelines, 2015. Collection method: clinical testing. Allele origin: germline. Observed: 12 variant alleles.

Clinical Genetics DNA and cytogenetics Diagnostics Lab, Erasmus MC, Erasmus Medical Center
Classification: Likely benign. Review status: no assertion criteria provided. Collection method: clinical testing. Allele origin: germline. Affected: yes. Study: VKGL Data-share Consensus. Not counted in ClinVar's aggregate classification.

Genome Diagnostics Laboratory, University Medical Center Utrecht
Classification: Likely benign. Review status: no assertion criteria provided. Collection method: clinical testing. Allele origin: germline. Affected: yes. Study: VKGL Data-share Consensus. Not counted in ClinVar's aggregate classification.

Laboratory of Diagnostic Genome Analysis, Leiden University Medical Center (LUMC)
Classification: Likely benign. Review status: no assertion criteria provided. Collection method: clinical testing. Allele origin: germline. Affected: yes. Study: VKGL Data-share Consensus. Not counted in ClinVar's aggregate classification.

Literature cited by the submitters: PubMed 23896413 (cited by Women's Health and Genetics/Laboratory Corporation of America, LabCorp); PubMed 28302714 (cited by Women's Health and Genetics/Laboratory Corporation of America, LabCorp); PubMed 24627528 (cited by Women's Health and Genetics/Laboratory Corporation of America, LabCorp); PubMed 23656643 (cited by Women's Health and Genetics/Laboratory Corporation of America, LabCorp); PubMed 23604229 (cited by Women's Health and Genetics/Laboratory Corporation of America, LabCorp); PubMed 27069254 (cited by Women's Health and Genetics/Laboratory Corporation of America, LabCorp).